The following is an entry in ClinVar:

ClinVar aggregate classification (germline): Uncertain significance (1 of 4 stars; one submission).

Submission:

Labcorp Genetics (formerly Invitae), Labcorp
Classification: Uncertain significance. Last evaluated: 2025-07-14. Review status: criteria provided, single submitter. Criteria: Invitae Variant Classification Sherloc (09022015). Collection method: clinical testing. Allele origin: germline.
Comment: This sequence change replaces tyrosine, which is neutral and polar, with histidine, which is basic and polar, at codon 223 of the GNMT protein (p.Tyr223His). This variant is not present in population databases (gnomAD no frequency). This variant has not been reported in the literature in individuals affected with GNMT-related conditions. ClinVar contains an entry for this variant (Variation ID: 3640717). Invitae Evidence Modeling of protein sequence and biophysical properties (such as structural, functional, and spatial information, amino acid conservation, physicochemical variation, residue mobility, and thermodynamic stability) has been performed for this missense variant. However, the output from this modeling did not meet the statistical confidence thresholds required to predict the impact of this variant on GNMT protein function. In summary, the available evidence is currently insufficient to determine the role of this variant in disease. Therefore, it has been classified as a Variant of Uncertain Significance.

NM_018960.6(GNMT):c.667T>C (p.Tyr223His)

Genes: CNPY3-GNMT (CNPY3-GNMT readthrough; plus strand), GNMT (glycine N-methyltransferase; plus strand). Cytogenetic location: 6p21.1.
Variant type: single nucleotide variant.
Coding change: c.667T>C on transcript NM_018960.6 (MANE Select); coding-DNA position 667, T replaced by C.
Protein change: p.Tyr223His; replaces tyrosine 223 with histidine.
Molecular consequence: missense variant. On other transcripts: non-coding transcript variant (4).
Genome position (GRCh38, 1-based): chr6:42,963,400, T>C. VCF-style: chr6-42963400-T-C. GRCh37 (hg19) VCF-style: chr6-42931138-T-C.
Other names: c.469T>C, p.Tyr157His (NM_001318856.2); c.484T>C, p.Tyr162His (NM_001318857.2); c.376T>C, p.Tyr126His (NM_001318858.2); c.610T>C, p.Tyr204His (NM_001318865.2); short protein forms Y126H, Y223H, Y162H, Y204H, Y157H.
Identifiers: ClinVar variation 3640717 (VCV003640717.2).